The following is an entry in ClinVar:

NM_004168.4(SDHA):c.1915_1916del (p.Leu639fs)

Gene: SDHA (succinate dehydrogenase complex flavoprotein subunit A; plus strand). Cytogenetic location: 5p15.33.
Variant type: Microsatellite.
Coding change: c.1915_1916del on transcript NM_004168.4 (MANE Select); coding-DNA positions 1915 to 1916, 2 bases deleted (CT; older notation c.1915_1916delCT).
Protein change: p.Leu639fs; shifts the reading frame from leucine 639.
Molecular consequence: frameshift variant.
Genome position (GRCh38, 1-based): chr5:256,340-256,341, CT deleted; deleting any 2 consecutive bases within chr5:256,338-256,341 gives the same sequence; the c. name uses the placement nearest the transcript's 3' end. VCF-style (leftmost placement, unchanged base first): chr5-256337-ACT-A. GRCh37 (hg19) VCF-style: chr5-256452-ACT-A.
Other names: c.1771_1772del, p.Leu591fs (NM_001294332.2); c.1672_1673del, p.Leu558fs (NM_001330758.2); c.1915_1916del (NM_004168.2); short protein forms L558fs, L591fs, L639fs.
Identifiers: ClinVar variation 2678613 (VCV002678613.3), dbSNP rs1224000198, ClinGen allele CA809175732.
Genomic context (GRCh38, chr5:256,337, plus strand): 5'-AGAGATGGCTTTTTGTACATTTTTGTGCTTAACTTACCACTGACTCTTCTTTTCAAGGTC[ACT>A]CTGGAATATAGACCCGTGATCGACAAAACTTTGAACGAGGCTGACTGTGCCACCGTCCCG-3'

ClinVar aggregate classification (germline): Conflicting classifications of pathogenicity. Review status: criteria provided, conflicting classifications (1 of 4 stars). 3 submissions from 3 submitters: Likely pathogenic (1); Uncertain significance (2). Last evaluated 2025-12-20.

Conditions:
Dilated cardiomyopathy 1GG (CMD1GG). Identifiers: Orphanet 154, MedGen C3150898, MONDO:0013339, OMIM 613642.
Pheochromocytoma/paraganglioma syndrome 5. Also called: Paragangliomas 5; SDHA-Related Hereditary Paraganglioma-Pheochromocytoma Syndrome. Identifiers: Orphanet 29072, MedGen C3279992, MONDO:0013602, OMIM 614165.
Mitochondrial complex II deficiency, nuclear type 1. Also called: SUCCINATE CoQ REDUCTASE DEFICIENCY. Identifiers: Orphanet 3208, MedGen C5700310, MONDO:0100294, OMIM 252011.

Submissions (3):

Labcorp Genetics (formerly Invitae), Labcorp
Classification: Uncertain significance for Pheochromocytoma/paraganglioma syndrome 5; Mitochondrial complex II deficiency, nuclear type 1. Last evaluated: 2025-12-20. Review status: criteria provided, single submitter. Criteria: Invitae Variant Classification Sherloc (09022015). Collection method: clinical testing. Allele origin: germline.
Comment: This sequence change creates a premature translational stop signal (p.Leu639Glyfs*3) in the SDHA gene. While this is not anticipated to result in nonsense mediated decay, it is expected to disrupt the last 26 amino acid(s) of the SDHA protein. This variant is not present in population databases (gnomAD no frequency). This variant has not been reported in the literature in individuals affected with SDHA-related conditions. Experimental studies and prediction algorithms are not available or were not evaluated, and the functional significance of this variant is currently unknown. In summary, the available evidence is currently insufficient to determine the role of this variant in disease. Therefore, it has been classified as a Variant of Uncertain Significance.

GeneDx
Classification: Likely pathogenic. Last evaluated: 2025-06-11. Review status: criteria provided, single submitter. Criteria: GeneDx Variant Classification Process June 2021. Collection method: clinical testing. Allele origin: germline. Affected: yes.
Comment: Frameshift variant predicted to result in abnormal protein length as the last 26 amino acids are replaced with 2 different amino acids, and other similar variants have been reported in HGMD; Not observed at significant frequency in large population cohorts (gnomAD); Has not been previously published as pathogenic or benign to our knowledge

Baylor Genetics
Classification: Uncertain significance for Dilated cardiomyopathy 1GG. Last evaluated: 2023-09-24. Review status: criteria provided, single submitter. Criteria: ACMG Guidelines, 2015. Collection method: clinical testing. Allele origin: unknown.